The following is an entry in ClinVar:

ClinVar aggregate classification (germline): Uncertain significance (1 of 4 stars; one submission).

gnomAD v4.1: 1 of 1,392,440 alleles (0.000072%); highest among the groups gnomAD compares: Non-Finnish European, 0.000095%; no homozygotes.

Submission:

Labcorp Genetics (formerly Invitae), Labcorp
Classification: Uncertain significance. Last evaluated: 2021-09-15. Review status: criteria provided, single submitter. Criteria: Invitae Variant Classification Sherloc (09022015). Collection method: clinical testing. Allele origin: germline.
Comment: In summary, the available evidence is currently insufficient to determine the role of this variant in disease. Therefore, it has been classified as a Variant of Uncertain Significance. Algorithms developed to predict the effect of missense changes on protein structure and function are either unavailable or do not agree on the potential impact of this missense change (SIFT: "Deleterious"; PolyPhen-2: "Benign"; Align-GVGD: "Class C0"). This variant has not been reported in the literature in individuals affected with SAMD11-related conditions. The frequency data for this variant in the population databases is considered unreliable, as metrics indicate insufficient coverage at this position in the ExAC database. This sequence change replaces proline with alanine at codon 297 of the SAMD11 protein (p.Pro297Ala). The proline residue is highly conserved and there is a small physicochemical difference between proline and alanine.

NM_001385641.1(SAMD11):c.1378C>G (p.Pro460Ala)

Gene: SAMD11 (sterile alpha motif domain containing 11; plus strand). Cytogenetic location: 1p36.33.
Variant type: single nucleotide variant.
Coding change: c.1378C>G on transcript NM_001385641.1 (MANE Select); coding-DNA position 1378, C replaced by G.
Protein change: p.Pro460Ala; replaces proline 460 with alanine.
Molecular consequence: missense variant.
Genome position (GRCh38, 1-based): chr1:942,155, C>G. VCF-style: chr1-942155-C-G. GRCh37 (hg19) VCF-style: chr1-877535-C-G.
Other names: c.1381C>G, p.Pro461Ala (NM_001385640.1); c.889C>G, p.Pro297Ala (NM_152486.4); short protein forms P460A, P297A, P461A.
Identifiers: ClinVar variation 1381317 (VCV001381317.6), dbSNP rs761264701, ClinGen allele CA337806216.
Genomic context (GRCh38, chr1:942,155, plus strand): 5'-GGGGGCGGGGGGGACGCCGCTCATTGCGCTGCCGTCCACAGGGAGCTGCCTCAGCCGCCC[C>G]CCTTGCTGTCGCCGCAGAATGCCCCTCACGTCGCCCTGGGCCCCCATCTCAGGCCCCCCT-3'
Protein context (NP_001372570.1, residues 450-470): FSERELPQPP[Pro460Ala]LLSPQNAPHV